The following is an entry in ClinVar:

NM_007103.4(NDUFV1):c.1269G>A (p.Thr423=)

Genes: NDUFV1 (NADH:ubiquinone oxidoreductase core subunit V1; plus strand), LOC126861242 (CDK7 strongly-dependent group 2 enhancer GRCh37_chr11:67379204-67380403; plus strand). Cytogenetic location: 11q13.2.
Variant type: single nucleotide variant.
Coding change: c.1269G>A on transcript NM_007103.4 (MANE Select); coding-DNA position 1269, G replaced by A.
Protein change: p.Thr423=; no amino-acid change (threonine 423 retained).
Molecular consequence: synonymous variant.
Genome position (GRCh38, 1-based): chr11:67,612,226, G>A. VCF-style: chr11-67612226-G-A. GRCh37 (hg19) VCF-style: chr11-67379697-G-A.
Other names: c.1242G>A, p.Thr414= (NM_001166102.2).
Identifiers: ClinVar variation 388880 (VCV000388880.8), dbSNP rs147719815, ClinGen allele CA6143466.

ClinVar aggregate classification (germline): Conflicting classifications of pathogenicity. Review status: criteria provided, conflicting classifications (1 of 4 stars). 4 submissions from 3 submitters: Uncertain significance (2); Likely benign (2). Last evaluated 2024-01-11.

Conditions:
Leigh syndrome (NULS). Also called: Leigh Disease; Subacute necrotizing encephalopathy; Necrotizing encephalopathy infantile subacute of Leigh; Leigh's syndrome; Leigh's necrotizing encephalopathy; Leigh's disease. Identifiers: Orphanet 506, MedGen C2931891, MONDO:0009723, OMIM 256000.
Mitochondrial complex I deficiency, nuclear type 1. Also called: NADH-COENZYME Q REDUCTASE DEFICIENCY; MITOCHONDRIAL NADH DEHYDROGENASE COMPONENT OF COMPLEX I, DEFICIENCY OF. Identifiers: MedGen C6022305, MONDO:0100224, OMIM 252010.

Allele frequency attached by ClinVar (database versions not stated): ESP Exome Variant Server 0.00008; gnomAD exomes below 0.00001; ExAC 0.00001; TOPMed 0.00002.

Submissions (4):

Labcorp Genetics (formerly Invitae), Labcorp
Classification: Likely benign. Last evaluated: 2024-01-11. Review status: criteria provided, single submitter. Criteria: Invitae Variant Classification Sherloc (09022015). Collection method: clinical testing. Allele origin: germline.

Illumina Laboratory Services, Illumina
Classification: Uncertain significance for Leigh syndrome. Last evaluated: 2017-04-28. Review status: criteria provided, single submitter. Criteria: ICSL Variant Classification Criteria 13 December 2019. Collection method: clinical testing. Allele origin: germline.

Illumina Laboratory Services, Illumina
Classification: Uncertain significance for Mitochondrial complex I deficiency, nuclear type 1. Last evaluated: 2017-04-28. Review status: criteria provided, single submitter. Criteria: ICSL Variant Classification Criteria 13 December 2019. Collection method: clinical testing. Allele origin: germline.

GeneDx
Classification: Likely benign. Last evaluated: 2016-09-06. Review status: criteria provided, single submitter. Criteria: GeneDx Variant Classification (06012015). Collection method: clinical testing. Allele origin: germline. Affected: yes.
Comment: This variant is considered likely benign or benign based on one or more of the following criteria: it is a conservative change, it occurs at a poorly conserved position in the protein, it is predicted to be benign by multiple in silico algorithms, and/or has population frequency not consistent with disease.